The following is an entry in ClinVar:

ClinVar aggregate classification (germline): Uncertain significance. Review status: criteria provided, multiple submitters, no conflicts (2 of 4 stars). 2 submissions from 2 submitters: Uncertain significance (2). Last evaluated 2025-11-26.

Conditions:
Familial amyloid nephropathy with urticaria AND deafness (MWS). Also called: UDA SYNDROME; URTICARIA-DEAFNESS-AMYLOIDOSIS SYNDROME; MUCKLE-WELLS SYNDROME; Urticaria, deafness and amyloidosis; CRYOPYRIN-ASSOCIATED PERIODIC SYNDROME 2. Identifiers: Orphanet 575, MedGen C0268390, MONDO:0008633, OMIM 191900.
Chronic infantile neurological, cutaneous and articular syndrome (CINCA). Also called: CHRONIC NEUROLOGIC CUTANEOUS AND ARTICULAR SYNDROME; CINCA syndrome; Prieur Griscelli syndrome; CRYOPYRIN-ASSOCIATED PERIODIC SYNDROME 3. Identifiers: Orphanet 1451, MedGen C0409818, MONDO:0011776, OMIM 607115.
Hearing loss, autosomal dominant 34, with or without inflammation. Also called: DEAFNESS, AUTOSOMAL DOMINANT 34, WITH OR WITHOUT INFLAMMATION. Identifiers: MedGen C4521680, MONDO:0033261, OMIM 617772.
Familial cold autoinflammatory syndrome 1 (FCAS1). Also called: CRYOPYRIN-ASSOCIATED PERIODIC SYNDROME 1; Familial cold inflammatory syndrome 1. Identifiers: Orphanet 47045, MedGen C4551895, MONDO:0007349, OMIM 120100.
Keratitis fugax hereditaria. Also called: KERATOENDOTHELIITIS FUGAX HEREDITARIA. Identifiers: Orphanet 647815, MedGen C1835697, MONDO:0007849, OMIM 148200.
Inborn genetic diseases. Identifiers: MedGen C0950123, MeSH D030342.

gnomAD v4.1: 5 of 1,613,012 alleles (0.00031%); highest among the groups gnomAD compares: African/African-American, 0.0054%; no homozygotes.

Submissions (2):

Ambry Genetics
Classification: Uncertain significance for Inborn genetic diseases. Last evaluated: 2025-11-26. Review status: criteria provided, single submitter. Criteria: Ambry Variant Classification Scheme 2023. Collection method: clinical testing. Allele origin: germline.
Comment: The c.886A>G (p.R296G) alteration is located in exon 3 (coding exon 3) of the NLRP3 gene. This alteration results from a A to G substitution at nucleotide position 886, causing the arginine (R) at amino acid position 296 to be replaced by a glycine (G). Based on data from gnomAD, the G allele has an overall frequency of 0.001% (3/282688) total alleles studied. The highest observed frequency was 0.008% (2/24942) of African alleles. Based on insufficient or conflicting evidence, the clinical significance of this alteration remains unclear.

Fulgent Genetics
Classification: Uncertain significance for Familial cold autoinflammatory syndrome 1; Keratitis fugax hereditaria; Familial amyloid nephropathy with urticaria AND deafness; Chronic infantile neurological, cutaneous and articular syndrome; Hearing loss, autosomal dominant 34, with or without inflammation. Last evaluated: 2024-01-10. Review status: criteria provided, single submitter. Criteria: ACMG Guidelines, 2015. Collection method: clinical testing. Allele origin: germline.

NM_001243133.2(NLRP3):c.880A>G (p.Arg294Gly)

Gene: NLRP3 (NLR family pyrin domain containing 3; plus strand). Cytogenetic location: 1q44.
Variant type: single nucleotide variant.
Coding change: c.880A>G on transcript NM_001243133.2 (MANE Select); coding-DNA position 880, A replaced by G.
Protein change: p.Arg294Gly; replaces arginine 294 with glycine.
Molecular consequence: missense variant.
Genome position (GRCh38, 1-based): chr1:247,424,329, A>G. VCF-style: chr1-247424329-A-G. GRCh37 (hg19) VCF-style: chr1-247587631-A-G.
Other names: c.880A>G, p.Arg294Gly (NM_001079821.3, NM_001127461.3, NM_001127462.3 and 1 more transcripts); c.886A>G, p.Arg296Gly (NM_004895.5); short protein forms R294G, R296G.
Identifiers: ClinVar variation 3583132 (VCV003583132.2).
Genomic context (GRCh38, chr1:247,424,329, plus strand): 5'-ATCATGAGCTGCTGCCCCGACCCAAACCCACCCATCCACAAGATCGTGAGAAAACCCTCC[A>G]GAATCCTCTTCCTCATGGACGGCTTCGATGAGCTGCAAGGTGCCTTTGACGAGCACATAG-3'
Protein context (NP_001230062.1, residues 284-304): PIHKIVRKPS[Arg294Gly]ILFLMDGFDE